The following is an entry in ClinVar:

ClinVar aggregate classification (germline): Pathogenic. Review status: criteria provided, multiple submitters, no conflicts (2 of 4 stars). 7 submissions from 7 submitters: Pathogenic (5). 2 of the submissions do not count toward it. Last evaluated 2025-06-22.

Conditions:
Usher syndrome. Also called: Usher Syndromes; Usher's syndrome. Identifiers: Orphanet 886, MedGen CN469326, MeSH D052245, MONDO:0019501. Disease mechanism: loss of function.
Usher syndrome type 1C. Also called: USHER SYNDROME, TYPE I, ACADIAN VARIETY. Identifiers: Orphanet 231169, Orphanet 886, MedGen C1848604, MONDO:0010171, OMIM 276904.
Autosomal recessive nonsyndromic hearing loss 18A. Also called: DEAFNESS, AUTOSOMAL RECESSIVE 18; Deafness, autosomal recessive 18A. Identifiers: Orphanet 90636, MedGen C1865870, MONDO:0011192, OMIM 602092.

Submissions (7):

Labcorp Genetics (formerly Invitae), Labcorp
Classification: Pathogenic. Last evaluated: 2025-06-22. Review status: criteria provided, single submitter. Criteria: Invitae Variant Classification Sherloc (09022015). Collection method: clinical testing. Allele origin: germline.
Comment: This variant results in the deletion of part of exon 9 (c.748_759+5del) of the USH1C gene. It is expected to disrupt RNA splicing. Variants that disrupt the donor or acceptor splice site typically lead to a loss of protein function (PMID: 16199547), and loss-of-function variants in USH1C are known to be pathogenic (PMID: 10973247, 17407589, 20301442, 21203349). This variant is present in population databases (no rsID available, gnomAD 0.007%). This variant has been observed in individuals with Usher syndrome (PMID: 17407589, 28041643). ClinVar contains an entry for this variant (Variation ID: 437936). For these reasons, this variant has been classified as Pathogenic.

Myriad Genetics, Inc.
Classification: Pathogenic for Usher syndrome type 1C. Last evaluated: 2025-04-09. Review status: criteria provided, single submitter. Criteria: Myriad Autosomal Dominant, Autosomal Recessive and X-Linked Classification Criteria (2023). Collection method: clinical testing. Allele origin: unknown.
Comment: NM_005709.3(USH1C):c.748_759+5del17 is a variant in a canonical splice site classified as pathogenic in the context of USH1C-related disorders. c.748_759+5del17 has been observed in cases with relevant disease (PMID: 17407589, 32581362, 28041643, 38219857). Relevant functional assessments of this variant are not available in the literature. c.748_759+5del17 has not been observed in referenced population frequency databases. In summary, NM_005709.3(USH1C):c.748_759+5del17 is a variant in a canonical splice site in a gene where loss of function is a known mechanism of disease, is predicted to disrupt protein function, and has been observed more frequently in cases with the relevant disease than in healthy populations. Please note: this variant was assessed in the context of healthy population screening.

Women's Health and Genetics/Laboratory Corporation of America, LabCorp
Classification: Pathogenic for Usher syndrome. Last evaluated: 2024-10-18. Review status: criteria provided, single submitter. Criteria: LabCorp Variant Classification Summary - May 2015. Collection method: clinical testing. Allele origin: germline.
Comment: Variant summary: USH1C c.748_759+5del17 is located in a canonical splice-site and is predicted to affect mRNA splicing resulting in a significantly altered protein due to either exon skipping, shortening, or inclusion of intronic material. Variants that disrupt the consensus splice site are a relatively common cause of aberrant splicing and loss of USH1C function. Several computational tools predict a significant impact on normal splicing: Four predict the variant abolishes the canonical 5' splicing donor site. One predict the variant creates a cryptic 5' donor site. However, these predictions have yet to be confirmed by functional studies. The variant was absent in 184908 control chromosomes. c.748_759+5del17 has been reported in the literature in multiple individuals affected with Inherited Retinal Disorders (example, Carss_2017, Lin_2024, Turro_2020). These data indicate that the variant is very likely to be associated with disease. To our knowledge, no experimental evidence demonstrating an impact on protein function has been reported. The following publications have been ascertained in the context of this evaluation (PMID: 28041643, 38219857, 32581362). ClinVar contains an entry for this variant (Variation ID: 437936). Based on the evidence outlined above, the variant was classified as pathogenic.

Baylor Genetics
Classification: Pathogenic for Autosomal recessive nonsyndromic hearing loss 18A. Last evaluated: 2023-12-14. Review status: criteria provided, single submitter. Criteria: ACMG Guidelines, 2015. Collection method: clinical testing. Allele origin: unknown.

GeneDx
Classification: Pathogenic. Last evaluated: 2023-02-17. Review status: criteria provided, single submitter. Criteria: GeneDx Variant Classification Process June 2021. Collection method: clinical testing. Allele origin: germline. Affected: yes.
Comment: Canonical splice site variant predicted to result in a null allele in a gene for which loss of function is a known mechanism of disease; Not observed at significant frequency in large population cohorts (gnomAD); This variant is associated with the following publications: (PMID: 32581362, 28041643, 17407589)

Counsyl
Classification: Likely pathogenic for Usher syndrome type 1C; Autosomal recessive nonsyndromic hearing loss 18A. Last evaluated: 2018-03-14. Review status: no assertion criteria provided. Collection method: clinical testing. Allele origin: unknown. Not counted in ClinVar's aggregate classification.

NIHR Bioresource Rare Diseases, University of Cambridge
Classification: Likely pathogenic for Usher syndrome. Last evaluated: 2015-01-01. Review status: no assertion criteria provided. Collection method: research. Allele origin: unknown. Affected: yes. Observed: 1 variant allele. Not counted in ClinVar's aggregate classification.

Literature cited by the submitters: PubMed 16199547 (cited by Labcorp Genetics (formerly Invitae), Labcorp); PubMed 10973247 (cited by Labcorp Genetics (formerly Invitae), Labcorp); PubMed 17407589 (cited by Labcorp Genetics (formerly Invitae), Labcorp and Myriad Genetics, Inc.); PubMed 20301442 (cited by Labcorp Genetics (formerly Invitae), Labcorp); PubMed 21203349 (cited by Labcorp Genetics (formerly Invitae), Labcorp); PubMed 28041643 (cited by 5 submitters); PubMed 32581362 (cited by Myriad Genetics, Inc. and Women's Health and Genetics/Laboratory Corporation of America, LabCorp); PubMed 38219857 (cited by Myriad Genetics, Inc. and Women's Health and Genetics/Laboratory Corporation of America, LabCorp).

NM_153676.4(USH1C):c.748_759+5del

Gene: USH1C (USH1 protein network component harmonin; minus strand). Cytogenetic location: 11p15.1.
Variant type: Deletion.
Coding change: c.748_759+5del on transcript NM_153676.4 (MANE Select); coding-DNA position 748 through 5 bases into the intron after coding-DNA position 759, 17 bases deleted (GTGGGATTGGAGGTGAG).
Molecular consequence: splice donor variant.
Genome position (GRCh38, 1-based): chr11:17,524,446-17,524,462, CTCACCTCCAATCCCAC deleted on the plus strand (GTGGGATTGGAGGTGAG on the coding strand, the reverse complement: USH1C is on the minus strand); deleting any 17 consecutive bases within chr11:17,524,446-17,524,466 gives the same sequence; the c. name uses the placement nearest the transcript's 3' end. VCF-style (leftmost placement, unchanged base first): chr11-17524445-ACTCACCTCCAATCCCAC-A. GRCh37 (hg19) VCF-style: chr11-17545992-ACTCACCTCCAATCCCAC-A.
Other names: c.748_759+5del (NM_001297764.2, NM_005709.4); c.748_759+5delGTGGGATTGGAGGTGAG (NM_153676.3); c.748_759+5del17 (NM_005709.4).
Identifiers: ClinVar variation 437936 (VCV000437936.15), dbSNP rs1355262412, ClinGen allele CA597667969.
Genomic context (GRCh38, chr11:17,524,445, plus strand): 5'-CCGCGGGATCACAGTCTGACCCAATTTCCAGTGGGCCCCCACTGGGGCCGGCCCAGCGTC[ACTCACCTCCAATCCCAC>A]CTCAGCAGACAGGGAGCCAGGTTTCACATGGCTGATAAAGATGCCAGGCTTCTGGATGGG-3'